The following is an entry in ClinVar:

NM_003105.6(SORL1):c.160G>C (p.Asp54His)

Genes: SORL1 (sortilin related receptor 1; plus strand), SORL1-AS1 (SORL1 antisense RNA 1; minus strand). Cytogenetic location: 11q24.1.
Variant type: single nucleotide variant.
Coding change: c.160G>C on transcript NM_003105.6 (MANE Select); coding-DNA position 160, G replaced by C.
Protein change: p.Asp54His; replaces aspartic acid 54 with histidine.
Molecular consequence: missense variant.
Genome position (GRCh38, 1-based): chr11:121,452,491, G>C. VCF-style: chr11-121452491-G-C. GRCh37 (hg19) VCF-style: chr11-121323200-G-C.
Other names: short protein forms D54H.
Identifiers: ClinVar variation 2989257 (VCV002989257.3), dbSNP rs761865673, ClinGen allele CA6328291.

ClinVar aggregate classification (germline): Uncertain significance (1 of 4 stars; one submission).

Allele frequency attached by ClinVar (database versions not stated): gnomAD 0.00001; TOPMed 0.00001.
gnomAD v4.1: 19 of 1,485,374 alleles (0.0013%); highest among the groups gnomAD compares: Admixed American, 0.0024%; no homozygotes.

Submission:

Labcorp Genetics (formerly Invitae), Labcorp
Classification: Uncertain significance. Last evaluated: 2024-03-06. Review status: criteria provided, single submitter. Criteria: Invitae Variant Classification Sherloc (09022015). Collection method: clinical testing. Allele origin: germline.
Comment: This sequence change replaces aspartic acid, which is acidic and polar, with histidine, which is basic and polar, at codon 54 of the SORL1 protein (p.Asp54His). This variant is present in population databases (rs761865673, gnomAD no frequency). This variant has not been reported in the literature in individuals affected with SORL1-related conditions. An algorithm developed to predict the effect of missense changes on protein structure and function (PolyPhen-2) suggests that this variant is likely to be tolerated. In summary, the available evidence is currently insufficient to determine the role of this variant in disease. Therefore, it has been classified as a Variant of Uncertain Significance.